The following is an entry in ClinVar:

NM_004364.5(CEBPA):c.998G>A (p.Arg333His)

Gene: CEBPA (CCAAT enhancer binding protein alpha; minus strand). Cytogenetic location: 19q13.11.
Variant type: single nucleotide variant.
Coding change: c.998G>A on transcript NM_004364.5 (MANE Select); coding-DNA position 998, G replaced by A.
Protein change: p.Arg333His; replaces arginine 333 with histidine.
Molecular consequence: missense variant.
Genome position (GRCh38, 1-based): chr19:33,301,417, C>T on the plus strand (G>A on the coding strand, the complement: CEBPA is on the minus strand). VCF-style: chr19-33301417-C-T. GRCh37 (hg19) VCF-style: chr19-33792323-C-T.
Other names: c.641G>A, p.Arg214His (NM_001285829.2); c.1103G>A, p.Arg368His (NM_001287424.2); c.956G>A, p.Arg319His (NM_001287435.2); short protein forms R214H, R319H, R333H, R368H.
Identifiers: ClinVar variation 5020697 (VCV005020697.1).
Genomic context (GRCh38, chr19:33,301,417, plus strand): 5'-GCCTTGACCAAGGAGCTCTCTGGCAGCTGGCGGAAGATGCCCCGCAGCGTGTCCAGTTCG[C>T]GGCTCAGCTGTTCCACCCGCTTGCGCAGGCGGTCATTGTCACTGGTCAGCTCCAGCACCT-3'
Protein context (NP_004355.2, residues 323-343): RLRKRVEQLS[Arg333His]ELDTLRGIFR

ClinVar aggregate classification (germline): Uncertain significance (1 of 4 stars; one submission).

Submission:

Dasa
Classification: Uncertain significance. Last evaluated: 2026-02-23. Review status: criteria provided, single submitter. Criteria: DASA Assertion Criteria. Collection method: clinical testing. Allele origin: germline.
Comment: NM_004364.5(CEBPA):c.998G>A (p.Arg333His) is a missense variant that results in the substitution of arginine with histidine. The affected residue or protein region has prior evidence supporting clinical relevance. This variant is rare in population databases. The currently available literature and clinical evidence are not sufficient to establish a definitive association between this variant and the reported condition. Therefore, this variant is classified as a variant of uncertain significance.